The following is an entry in ClinVar:

ClinVar aggregate classification (germline): Uncertain significance (1 of 4 stars; one submission).

Conditions:
Primary ciliary dyskinesia 6. Also called: Primary Ciliary Dyskinesia 6: TXNDC3-Related Primary Ciliary Dyskinesia. Identifiers: Orphanet 244, MedGen C1970506, MONDO:0012571, OMIM 610852.

Submission:

Labcorp Genetics (formerly Invitae), Labcorp
Classification: Uncertain significance for Primary ciliary dyskinesia 6. Last evaluated: 2025-06-29. Review status: criteria provided, single submitter. Criteria: Invitae Variant Classification Sherloc (09022015). Collection method: clinical testing. Allele origin: germline.
Comment: This sequence change replaces lysine, which is basic and polar, with glutamic acid, which is acidic and polar, at codon 169 of the NME8 protein (p.Lys169Glu). This variant is not present in population databases (gnomAD no frequency). This variant has not been reported in the literature in individuals affected with NME8-related conditions. Invitae Evidence Modeling of protein sequence and biophysical properties (such as structural, functional, and spatial information, amino acid conservation, physicochemical variation, residue mobility, and thermodynamic stability) has been performed for this missense variant. However, the output from this modeling did not meet the statistical confidence thresholds required to predict the impact of this variant on NME8 protein function. In summary, the available evidence is currently insufficient to determine the role of this variant in disease. Therefore, it has been classified as a Variant of Uncertain Significance.

NM_016616.5(NME8):c.505A>G (p.Lys169Glu)

Gene: NME8 (NME/NM23 family member 8; plus strand). Cytogenetic location: 7p14.1.
Variant type: single nucleotide variant.
Coding change: c.505A>G on transcript NM_016616.5 (MANE Select); coding-DNA position 505, A replaced by G.
Protein change: p.Lys169Glu; replaces lysine 169 with glutamic acid.
Molecular consequence: missense variant.
Genome position (GRCh38, 1-based): chr7:37,864,398, A>G. VCF-style: chr7-37864398-A-G. GRCh37 (hg19) VCF-style: chr7-37904000-A-G.
Other names: short protein forms K169E.
Identifiers: ClinVar variation 4772832 (VCV004772832.1).
Genomic context (GRCh38, chr7:37,864,398, plus strand): 5'-TTTTTTCCAGAGGAATTATACAGTATTGCTATTATCAAACCGGATGCTGTGATTAGTAAA[A>G]AAGTTCTAGAAATTAAAAGAAAAGTAAGTAATATTTTCCAACTATGATTAAATTAATTGC-3'
Protein context (NP_057700.3, residues 159-179): IIKPDAVISK[Lys169Glu]VLEIKRKITK